The following is an entry in ClinVar:

NM_024757.5(EHMT1):c.3762C>A (p.Phe1254Leu)

Gene: EHMT1 (euchromatic histone lysine methyltransferase 1; plus strand). Cytogenetic location: 9q34.3.
Variant type: single nucleotide variant.
Coding change: c.3762C>A on transcript NM_024757.5 (MANE Select); coding-DNA position 3762, C replaced by A.
Protein change: p.Phe1254Leu; replaces phenylalanine 1254 with leucine.
Molecular consequence: missense variant.
Genome position (GRCh38, 1-based): chr9:137,834,818, C>A. VCF-style: chr9-137834818-C-A. GRCh37 (hg19) VCF-style: chr9-140729270-C-A.
Other names: c.3741C>A, p.Phe1247Leu (NM_001354263.2); short protein forms F1254L, F1247L.
Identifiers: ClinVar variation 2799573 (VCV002799573.3), dbSNP rs1224603807, ClinGen allele CA375783074.

ClinVar aggregate classification (germline): Uncertain significance (1 of 4 stars; one submission).

Conditions:
Kleefstra syndrome 1 (KLEFS1). Identifiers: Orphanet 261494, MedGen C0795833, MONDO:0027407, OMIM 610253.

gnomAD v4.1: 2 of 1,612,600 alleles (0.00012%); highest among the groups gnomAD compares: Non-Finnish European, 0.00017%; no homozygotes.

Submission:

Labcorp Genetics (formerly Invitae), Labcorp
Classification: Uncertain significance for Kleefstra syndrome 1. Last evaluated: 2023-11-24. Review status: criteria provided, single submitter. Criteria: Invitae Variant Classification Sherloc (09022015). Collection method: clinical testing. Allele origin: germline.
Comment: This sequence change replaces phenylalanine, which is neutral and non-polar, with leucine, which is neutral and non-polar, at codon 1254 of the EHMT1 protein (p.Phe1254Leu). This variant is not present in population databases (gnomAD no frequency). This variant has not been reported in the literature in individuals affected with EHMT1-related conditions. Advanced modeling of protein sequence and biophysical properties (such as structural, functional, and spatial information, amino acid conservation, physicochemical variation, residue mobility, and thermodynamic stability) performed at Invitae indicates that this missense variant is not expected to disrupt EHMT1 protein function with a negative predictive value of 80%. In summary, the available evidence is currently insufficient to determine the role of this variant in disease. Therefore, it has been classified as a Variant of Uncertain Significance.